The following is an entry in ClinVar:

ClinVar aggregate classification (germline): Uncertain significance (1 of 4 stars; one submission).

Conditions:
Hereditary cancer-predisposing syndrome. Also called: Neoplastic Syndromes, Hereditary; Tumor predisposition; Hereditary Cancer Syndrome; Hereditary neoplastic syndrome. Identifiers: Orphanet 140162, MedGen C0027672, MeSH D009386, MONDO:0015356.

gnomAD v4.1: 1 of 1,613,370 alleles (0.000062%); highest among the groups gnomAD compares: Non-Finnish European, 0.000085%; no homozygotes.

Submission:

Ambry Genetics
Classification: Uncertain significance for Hereditary cancer-predisposing syndrome. Last evaluated: 2026-04-28. Review status: criteria provided, single submitter. Criteria: Ambry Variant Classification Scheme 2023. Collection method: clinical testing. Allele origin: germline.
Comment: The p.D918H variant (also known as c.2752G>C), located in coding exon 27 of the RB1 gene, results from a G to C substitution at nucleotide position 2752. The aspartic acid at codon 918 is replaced by histidine, an amino acid with similar properties. This amino acid position is conserved. In addition, this alteration is predicted to be tolerated by in silico analysis. Based on the available evidence, the clinical significance of this variant remains unclear.

NM_000321.3(RB1):c.2752G>C (p.Asp918His)

Gene: RB1 (RB transcriptional corepressor 1; plus strand). Cytogenetic location: 13q14.2.
Variant type: single nucleotide variant.
Coding change: c.2752G>C on transcript NM_000321.3 (MANE Select); coding-DNA position 2752, G replaced by C.
Protein change: p.Asp918His; replaces aspartic acid 918 with histidine.
Molecular consequence: missense variant. On other transcripts: stop lost (1).
Genome position (GRCh38, 1-based): chr13:48,480,036, G>C. VCF-style: chr13-48480036-G-C. GRCh37 (hg19) VCF-style: chr13-49054172-G-C.
Other names: c.2771G>C, p.Ter924Ser (NM_001407165.1); c.202G>C, p.Asp68His (NM_001407168.1); short protein forms D68H, D918H.
Identifiers: ClinVar variation 4863024 (VCV004863024.1).
Genomic context (GRCh38, chr13:48,480,036, plus strand): 5'-CAGTTCTTCATCCTTTTTCCAGCTTCTACTCGAACACGAATGCAAAAGCAGAAAATGAAT[G>C]ATAGCATGGATACCTCAAACAAGGAAGAGAAATGAGGATCTCAGGACCTTGGTGGACACT-3'
Protein context (NP_000312.2, residues 908-928): RTRMQKQKMN[Asp918His]SMDTSNKEEK